The following is an entry in ClinVar:

NM_001267550.2(TTN):c.73630C>T (p.Leu24544Phe)

Genes: TTN (titin; minus strand), TTN-AS1 (TTN antisense RNA 1; plus strand). Cytogenetic location: 2q31.2.
Variant type: single nucleotide variant.
Coding change: c.73630C>T on transcript NM_001267550.2 (MANE Select); coding-DNA position 73630, C replaced by T.
Protein change: p.Leu24544Phe; replaces leucine 24544 with phenylalanine.
Molecular consequence: missense variant.
Genome position (GRCh38, 1-based): chr2:178,572,502, G>A on the plus strand (C>T on the coding strand, the complement: TTN is on the minus strand). VCF-style: chr2-178572502-G-A. GRCh37 (hg19) VCF-style: chr2-179437229-G-A.
Other names: p.Leu22903Phe; c.68707C>T, p.Leu22903Phe (NM_001256850.1); c.46435C>T, p.Leu15479Phe (NM_003319.4); c.65926C>T, p.Leu21976Phe (NM_133378.4); c.46810C>T, p.Leu15604Phe (NM_133432.3); c.47011C>T, p.Leu15671Phe (NM_133437.4); short protein forms L15671F, L24544F, L15604F, L22903F, L15479F, L21976F.
Identifiers: ClinVar variation 1742126 (VCV001742126.4), dbSNP rs777417650, ClinGen allele CA1990342.

ClinVar aggregate classification (germline): Uncertain significance. Review status: criteria provided, multiple submitters, no conflicts (2 of 4 stars). 3 submissions from 3 submitters: Uncertain significance (3). Last evaluated 2025-09-24.

Conditions:
TTN-related disorder. Also called: TTN-related disorders; TTN-related condition; TTN-related disease.
Cardiovascular phenotype. Identifiers: MedGen CN230736.

Allele frequency attached by ClinVar (database versions not stated): ExAC 0.00002; gnomAD 0.00002; TOPMed 0.00002.
gnomAD v4.1: 37 of 1,613,230 alleles (0.0023%); highest among the groups gnomAD compares: Non-Finnish European, 0.0029%; no homozygotes.

Submissions (3):

PreventionGenetics, part of Exact Sciences
Classification: Uncertain significance for TTN-related condition. Last evaluated: 2025-09-24. Review status: criteria provided, single submitter. Criteria: ACMG Guidelines, 2015. Collection method: clinical testing. Allele origin: germline.
Comment: The TTN c.73630C>T variant is predicted to result in the amino acid substitution p.Leu24544Phe. To our knowledge, this variant has not been reported in the literature. This variant is reported in 0.0036% of alleles in individuals of European (Non-Finnish) descent in gnomAD. At this time, the clinical significance of this variant is uncertain due to the absence of conclusive functional and genetic evidence.

Mayo Clinic Laboratories, Mayo Clinic
Classification: Uncertain significance. Last evaluated: 2022-06-13. Review status: criteria provided, single submitter. Criteria: ACMG Guidelines, 2015. Collection method: clinical testing. Allele origin: germline. Observed: 1 variant allele.

Ambry Genetics
Classification: Uncertain significance for Cardiovascular phenotype. Last evaluated: 2019-09-12. Review status: criteria provided, single submitter. Criteria: Ambry Variant Classification Scheme 2023. Collection method: clinical testing. Allele origin: germline.
Comment: The p.L15479F variant (also known as c.46435C>T), located in coding exon 153 of the TTN gene, results from a C to T substitution at nucleotide position 46435. The leucine at codon 15479 is replaced by phenylalanine, an amino acid with highly similar properties. This amino acid position is well conserved in available vertebrate species. In addition, this alteration is predicted to be tolerated by in silico analysis. Since supporting evidence is limited at this time, the clinical significance of this alteration remains unclear.